The following is an entry in ClinVar:

NM_001844.5(COL2A1):c.1521A>G (p.Gly507=)

Gene: COL2A1 (collagen type II alpha 1 chain; minus strand). Cytogenetic location: 12q13.11.
Variant type: single nucleotide variant.
Coding change: c.1521A>G on transcript NM_001844.5 (MANE Select); coding-DNA position 1521, A replaced by G.
Protein change: p.Gly507=; no amino-acid change (glycine 507 retained).
Molecular consequence: synonymous variant.
Genome position (GRCh38, 1-based): chr12:47,986,342, T>C on the plus strand (A>G on the coding strand, the complement: COL2A1 is on the minus strand). VCF-style: chr12-47986342-T-C. GRCh37 (hg19) VCF-style: chr12-48380125-T-C.
Other names: c.1314A>G, p.Gly438= (NM_033150.3).
Identifiers: ClinVar variation 3655735 (VCV003655735.2).
Genomic context (GRCh38, chr12:47,986,342, plus strand): 5'-CTTCCCTCTCGAGGTCACAGGCCCCATGGGATGGAGCCTCCACATTCACTTAACTCTTTC[T>C]CCAGGGGGACCGATGGGCCCAACGCCACCAGGCTCTCCACGGGCACCTCTCTTGCCTTCT-3'
Protein context (NP_001835.3, residues 497-517): PGGVGPIGPP[Gly507=]ERGAPGNRGF

ClinVar aggregate classification (germline): Uncertain significance (1 of 4 stars; one submission).

Submission:

Labcorp Genetics (formerly Invitae), Labcorp
Classification: Uncertain significance. Last evaluated: 2024-09-13. Review status: criteria provided, single submitter. Criteria: Invitae Variant Classification Sherloc (09022015). Collection method: clinical testing. Allele origin: germline.
Comment: This sequence change affects codon 507 of the COL2A1 mRNA. It is a 'silent' change, meaning that it does not change the encoded amino acid sequence of the COL2A1 protein. This variant is not present in population databases (gnomAD no frequency). This variant has not been reported in the literature in individuals affected with COL2A1-related conditions. Algorithms developed to predict the effect of sequence changes on RNA splicing suggest that this variant may disrupt the consensus splice site. In summary, the available evidence is currently insufficient to determine the role of this variant in disease. Therefore, it has been classified as a Variant of Uncertain Significance.